The following is an entry in ClinVar:

NM_014727.3(KMT2B):c.1314A>C (p.Pro438=)

Gene: KMT2B (lysine methyltransferase 2B; plus strand). Cytogenetic location: 19q13.12.
Variant type: single nucleotide variant.
Coding change: c.1314A>C on transcript NM_014727.3 (MANE Select); coding-DNA position 1314, A replaced by C.
Protein change: p.Pro438=; no amino-acid change (proline 438 retained).
Molecular consequence: synonymous variant.
Genome position (GRCh38, 1-based): chr19:35,720,661, A>C. VCF-style: chr19-35720661-A-C. GRCh37 (hg19) VCF-style: chr19-36211563-A-C.
Identifiers: ClinVar variation 3771084 (VCV003771084.13).
Genomic context (GRCh38, chr19:35,720,661, plus strand): 5'-ACCCCCTTCGACATCTCCTCCACCCCCACTCTGCCCTCCACCACCACCCCCAGTGTCCCC[A>C]CCACCTCTACCATCCCCTCCACCGCCTCCTGCCCAAGAGGAGCAGGAGGAATCCCCTCCT-3'
Protein context (NP_055542.1, residues 428-448): LCPPPPPPVS[Pro438=]PPLPSPPPPP

ClinVar aggregate classification (germline): Likely benign (1 of 4 stars; one submission).

Submission:

CeGaT Center for Human Genetics Tuebingen
Classification: Likely benign. Last evaluated: 2025-01-01. Review status: criteria provided, single submitter. Criteria: CeGaT Center For Human Genetics Tuebingen Variant Classification Criteria Version 2. Collection method: clinical testing. Allele origin: germline. Affected: yes. Observed: 1 variant allele.
Comment: KMT2B: BP4, BP7